The following is an entry in ClinVar:

ClinVar aggregate classification (germline): Uncertain significance (1 of 4 stars; one submission).

Conditions:
Nephronophthisis. Also called: Juvenile Nephronophthisis. Identifiers: Orphanet 655, MedGen C0687120, MONDO:0019005, HP:0000090.

Submission:

Labcorp Genetics (formerly Invitae), Labcorp
Classification: Uncertain significance for Nephronophthisis. Last evaluated: 2023-07-10. Review status: criteria provided, single submitter. Criteria: Invitae Variant Classification Sherloc (09022015). Collection method: clinical testing. Allele origin: germline.
Comment: This sequence change replaces glutamic acid, which is acidic and polar, with aspartic acid, which is acidic and polar, at codon 492 of the NPHP3 protein (p.Glu492Asp). This variant is not present in population databases (gnomAD no frequency). This variant has not been reported in the literature in individuals affected with NPHP3-related conditions. ClinVar contains an entry for this variant (Variation ID: 1387196). Advanced modeling of protein sequence and biophysical properties (such as structural, functional, and spatial information, amino acid conservation, physicochemical variation, residue mobility, and thermodynamic stability) has been performed at Invitae for this missense variant, however the output from this modeling did not meet the statistical confidence thresholds required to predict the impact of this variant on NPHP3 protein function. In summary, the available evidence is currently insufficient to determine the role of this variant in disease. Therefore, it has been classified as a Variant of Uncertain Significance.

NM_153240.5(NPHP3):c.1476A>C (p.Glu492Asp)

Genes: NPHP3 (nephrocystin 3; minus strand), NPHP3-ACAD11 (NPHP3-ACAD11 readthrough (NMD candidate); minus strand). Cytogenetic location: 3q22.1.
Variant type: single nucleotide variant.
Coding change: c.1476A>C on transcript NM_153240.5 (MANE Select); coding-DNA position 1476, A replaced by C.
Protein change: p.Glu492Asp; replaces glutamic acid 492 with aspartic acid.
Molecular consequence: missense variant. On other transcripts: non-coding transcript variant (1).
Genome position (GRCh38, 1-based): chr3:132,704,246, T>G on the plus strand (A>C on the coding strand, the complement: NPHP3 is on the minus strand). VCF-style: chr3-132704246-T-G. GRCh37 (hg19) VCF-style: chr3-132423090-T-G.
Other names: short protein forms E492D.
Identifiers: ClinVar variation 1387196 (VCV001387196.6), dbSNP rs371254114, ClinGen allele CA354584452.